The following is an entry in ClinVar:

ClinVar aggregate classification (germline): Uncertain significance (1 of 4 stars; one submission).

Submission:

GeneDx
Classification: Uncertain significance. Last evaluated: 2019-09-17. Review status: criteria provided, single submitter. Criteria: GeneDx Variant Classification Process June 2021. Collection method: clinical testing. Allele origin: germline. Affected: yes.
Comment: Not observed in large population cohorts (Lek et al., 2016); In silico analysis, which includes protein predictors and evolutionary conservation, supports that this variant does not alter protein structure/function; Has not been previously published as pathogenic or benign to our knowledge

NM_003998.4(NFKB1):c.923G>A (p.Arg308Lys)

Gene: NFKB1 (nuclear factor kappa B subunit 1; plus strand). Cytogenetic location: 4q24.
Variant type: single nucleotide variant.
Coding change: c.923G>A on transcript NM_003998.4 (MANE Select); coding-DNA position 923, G replaced by A.
Protein change: p.Arg308Lys; replaces arginine 308 with lysine.
Molecular consequence: missense variant.
Genome position (GRCh38, 1-based): chr4:102,582,953, G>A. VCF-style: chr4-102582953-G-A. GRCh37 (hg19) VCF-style: chr4-103504110-G-A.
Other names: c.920G>A, p.Arg307Lys (NM_001165412.2, NM_001319226.2, NM_001382627.1); c.923G>A, p.Arg308Lys (NM_001382625.1, NM_001382626.1); c.881G>A, p.Arg294Lys (NM_001382628.1); short protein forms R294K, R307K, R308K.
Identifiers: ClinVar variation 1312279 (VCV001312279.2), dbSNP rs2149190197, ClinGen allele CA357960744.